The following is an entry in ClinVar:

ClinVar aggregate classification (germline): Uncertain significance (1 of 4 stars; one submission).

Conditions:
Charcot-Marie-Tooth disease type 2. Also called: Charcot-Marie-Tooth type 2. Identifiers: Orphanet 64746, MedGen C0270914, MONDO:0018993.

Allele frequency attached by ClinVar (database versions not stated): gnomAD exomes 0.00002; ExAC 0.00004; TOPMed 0.00001; gnomAD 0.00003.
gnomAD v4.1: 19 of 1,611,016 alleles (0.0012%); highest among the groups gnomAD compares: Admixed American, 0.0017%; no homozygotes.

Submission:

Labcorp Genetics (formerly Invitae), Labcorp
Classification: Uncertain significance for Charcot-Marie-Tooth disease type 2. Last evaluated: 2022-07-06. Review status: criteria provided, single submitter. Criteria: Invitae Variant Classification Sherloc (09022015). Collection method: clinical testing. Allele origin: germline.
Comment: This sequence change replaces glycine, which is neutral and non-polar, with serine, which is neutral and polar, at codon 390 of the MED25 protein (p.Gly390Ser). This variant is present in population databases (rs752599816, gnomAD 0.004%). This variant has not been reported in the literature in individuals affected with MED25-related conditions. ClinVar contains an entry for this variant (Variation ID: 853369). Algorithms developed to predict the effect of missense changes on protein structure and function (SIFT, PolyPhen-2, Align-GVGD) all suggest that this variant is likely to be tolerated. In summary, the available evidence is currently insufficient to determine the role of this variant in disease. Therefore, it has been classified as a Variant of Uncertain Significance.

NM_030973.4(MED25):c.1168G>A (p.Gly390Ser)

Gene: MED25 (mediator complex subunit 25; plus strand). Cytogenetic location: 19q13.33.
Variant type: single nucleotide variant.
Coding change: c.1168G>A on transcript NM_030973.4 (MANE Select); coding-DNA position 1168, G replaced by A.
Protein change: p.Gly390Ser; replaces glycine 390 with serine.
Molecular consequence: missense variant.
Genome position (GRCh38, 1-based): chr19:49,831,399, G>A. VCF-style: chr19-49831399-G-A. GRCh37 (hg19) VCF-style: chr19-50334656-G-A.
Other names: c.1168G>A, p.Gly390Ser (NM_001378355.1); short protein forms G390S.
Identifiers: ClinVar variation 853369 (VCV000853369.7), dbSNP rs752599816, ClinGen allele CA9585168.